The following is an entry in ClinVar:

NM_000257.4(MYH7):c.22G>C (p.Val8Leu)

Gene: MYH7 (myosin heavy chain 7; minus strand). Cytogenetic location: 14q11.2.
Variant type: single nucleotide variant.
Coding change: c.22G>C on transcript NM_000257.4 (MANE Select); coding-DNA position 22, G replaced by C.
Protein change: p.Val8Leu; replaces valine 8 with leucine.
Molecular consequence: missense variant.
Genome position (GRCh38, 1-based): chr14:23,433,711, C>G on the plus strand (G>C on the coding strand, the complement: MYH7 is on the minus strand). VCF-style: chr14-23433711-C-G. GRCh37 (hg19) VCF-style: chr14-23902920-C-G.
Other names: c.22G>C, p.Val8Leu (NM_001407004.1); short protein forms V8L.
Identifiers: ClinVar variation 2167038 (VCV002167038.1), dbSNP rs754388460, ClinGen allele CA032191.

ClinVar aggregate classification (germline): Uncertain significance (1 of 4 stars; one submission).

Conditions:
Hypertrophic cardiomyopathy. Also called: HYPERTROPHIC MYOCARDIOPATHY. Identifiers: Orphanet 217569, MedGen C0007194, MeSH D002312, MONDO:0005045, HP:0001639.

Submission:

Labcorp Genetics (formerly Invitae), Labcorp
Classification: Uncertain significance for Hypertrophic cardiomyopathy. Last evaluated: 2022-07-15. Review status: criteria provided, single submitter. Criteria: Invitae Variant Classification Sherloc (09022015). Collection method: clinical testing. Allele origin: germline.
Comment: This sequence change replaces valine, which is neutral and non-polar, with leucine, which is neutral and non-polar, at codon 8 of the MYH7 protein (p.Val8Leu). This variant is present in population databases (rs754388460, gnomAD 0.0009%). This variant has not been reported in the literature in individuals affected with MYH7-related conditions. Algorithms developed to predict the effect of missense changes on protein structure and function (SIFT, PolyPhen-2, Align-GVGD) all suggest that this variant is likely to be tolerated. In summary, the available evidence is currently insufficient to determine the role of this variant in disease. Therefore, it has been classified as a Variant of Uncertain Significance.